The following is an entry in ClinVar:

ClinVar aggregate classification (germline): Likely pathogenic (1 of 4 stars; one submission).

Conditions:
Stuve-Wiedemann syndrome (STWS). Also called: Stüve-Wiedemann syndrome. Identifiers: Orphanet 3206, MedGen C0796176, MONDO:0031280.

Submission:

Natera, Inc.
Classification: Likely pathogenic for Stuve-Wiedemann syndrome. Last evaluated: 2025-01-16. Review status: criteria provided, single submitter. Criteria: Natera Variant Classification Schema (03/2026). Collection method: clinical testing. Allele origin: germline.
Comment: The c.1058G>A variant in LIFR is a nonsense variant predicted to introduce a stop codon at amino acid 353. This variant is expected to result in nonsense mediated decay, truncation, or a dysfunctional protein product. This variant is rare in the general population with a frequency below the threshold expected for the associated phenotype(s). Given the available evidence, this variant is classified as Likely Pathogenic.

NM_001127671.2(LIFR):c.1058G>A (p.Trp353Ter)

Gene: LIFR (LIF receptor subunit alpha; minus strand). Cytogenetic location: 5p13.1.
Variant type: single nucleotide variant.
Coding change: c.1058G>A on transcript NM_001127671.2 (MANE Select); coding-DNA position 1058, G replaced by A.
Protein change: p.Trp353Ter; replaces tryptophan 353 with a stop codon.
Molecular consequence: nonsense.
Genome position (GRCh38, 1-based): chr5:38,506,566, C>T on the plus strand (G>A on the coding strand, the complement: LIFR is on the minus strand). VCF-style: chr5-38506566-C-T. GRCh37 (hg19) VCF-style: chr5-38506668-C-T.
Other names: c.1058G>A, p.Trp353Ter (NM_001364297.2, NM_001364298.2, NM_002310.6); short protein forms W353*.
Identifiers: ClinVar variation 4069939 (VCV004069939.2).